The following is an entry in ClinVar:

NM_194248.3(OTOF):c.5712+6C>T

Gene: OTOF (otoferlin; minus strand). Cytogenetic location: 2p23.3.
Variant type: single nucleotide variant.
Coding change: c.5712+6C>T on transcript NM_194248.3 (MANE Select); 6 bases into the intron after coding-DNA position 5712, C replaced by T.
Molecular consequence: intron variant.
Genome position (GRCh38, 1-based): chr2:26,460,846, G>A on the plus strand (C>T on the coding strand, the complement: OTOF is on the minus strand). VCF-style: chr2-26460846-G-A. GRCh37 (hg19) VCF-style: chr2-26683714-G-A.
Other names: c.5712+6C>T (NM_001287489.2); c.3411+6C>T (NM_194323.3, NM_004802.4); c.3642+6C>T (NM_194322.3).
Identifiers: ClinVar variation 3063899 (VCV003063899.1), dbSNP rs200435099, ClinGen allele CA44406823.

ClinVar aggregate classification (germline): Uncertain significance (1 of 4 stars; one submission).

Allele frequency attached by ClinVar (database versions not stated): 1000 Genomes Project 30x 0.00016; 1000 Genomes Project 0.00020.
gnomAD v4.1: 10 of 1,614,062 alleles (0.00062%); highest among the groups gnomAD compares: Non-Finnish European, 0.00085%; no homozygotes.

Submission:

Women's Health and Genetics/Laboratory Corporation of America, LabCorp
Classification: Uncertain significance. Last evaluated: 2024-01-12. Review status: criteria provided, single submitter. Criteria: LabCorp Variant Classification Summary - May 2015. Collection method: clinical testing. Allele origin: germline.
Comment: Variant summary: OTOF c.5712+6C>T alters a conserved nucleotide located close to a canonical splice site and therefore could affect mRNA splicing, leading to a significantly altered protein sequence. Consensus agreement among computation tools predict no significant impact on normal splicing. However, these predictions have yet to be confirmed by functional studies. The variant allele was found at a frequency of 8e-06 in 251354 control chromosomes. The available data on variant occurrences in the general population are insufficient to allow any conclusion about variant significance. To our knowledge, no occurrence of c.5712+6C>T in individuals affected with Nonsyndromic Hearing Loss And Deafness, Type 9 and no experimental evidence demonstrating its impact on protein function have been reported. No submitters have cited clinical-significance assessments for this variant to ClinVar. Based on the evidence outlined above, the variant was classified as uncertain significance.